The following is an entry in ClinVar:

NM_014845.6(FIG4):c.1427G>A (p.Arg476His)

Gene: FIG4 (FIG4 phosphoinositide 5-phosphatase; plus strand). Cytogenetic location: 6q21.
Variant type: single nucleotide variant.
Coding change: c.1427G>A on transcript NM_014845.6 (MANE Select); coding-DNA position 1427, G replaced by A.
Protein change: p.Arg476His; replaces arginine 476 with histidine.
Molecular consequence: missense variant.
Genome position (GRCh38, 1-based): chr6:109,763,975, G>A. VCF-style: chr6-109763975-G-A. GRCh37 (hg19) VCF-style: chr6-110085178-G-A.
Other names: short protein forms R476H.
Identifiers: ClinVar variation 543359 (VCV000543359.6), dbSNP rs192823053, ClinGen allele CA3956079.
Genomic context (GRCh38, chr6:109,763,975, plus strand): 5'-AAGTGTTTATTTTTAAACACAGGTGGAATGAACTAGGAGGATGTGTGATTCCCACTGGTC[G>A]CCTGCAGGTATACACAGTATTACAATTCGTAATGAATAGAATCTGTATCCATTGTGTACT-3'
Protein context (NP_055660.1, residues 466-486): ELGGCVIPTG[Arg476His]LQTGILRTNC

ClinVar aggregate classification (germline): Uncertain significance. Review status: criteria provided, multiple submitters, no conflicts (2 of 4 stars). 3 submissions from 3 submitters: Uncertain significance (3). Last evaluated 2025-04-24.

Conditions:
Inborn genetic diseases. Identifiers: MedGen C0950123, MeSH D030342.
Charcot-Marie-Tooth disease type 4. Also called: Charcot-Marie-Tooth disease, type IV; Charcot-Marie-Tooth, Type 4. Identifiers: Orphanet 64749, MedGen C4082197, MONDO:0018995.

Allele frequency attached by ClinVar (database versions not stated): gnomAD 0.00002; ESP Exome Variant Server 0.00008; gnomAD exomes 0.00002 and 0.00005; 1000 Genomes Project 30x 0.00031; TOPMed 0.00003; ExAC 0.00006; 1000 Genomes Project 0.00020.

Submissions (3):

GeneDx
Classification: Uncertain significance. Last evaluated: 2025-04-24. Review status: criteria provided, single submitter. Criteria: GeneDx Variant Classification Process June 2021. Collection method: clinical testing. Allele origin: germline. Affected: yes.
Comment: In silico analysis indicates that this missense variant does not alter protein structure/function; Has not been previously published as pathogenic or benign to our knowledge; This variant is associated with the following publications: (PMID: 24598713)

Ambry Genetics
Classification: Uncertain significance for Inborn genetic diseases. Last evaluated: 2025-03-26. Review status: criteria provided, single submitter. Criteria: Ambry Variant Classification Scheme 2023. Collection method: clinical testing. Allele origin: germline.

Labcorp Genetics (formerly Invitae), Labcorp
Classification: Uncertain significance for Charcot-Marie-Tooth disease type 4. Last evaluated: 2021-09-02. Review status: criteria provided, single submitter. Criteria: Invitae Variant Classification Sherloc (09022015). Collection method: clinical testing. Allele origin: germline.